The following is an entry in ClinVar:

NC_000007.14:g.(?_21735620)_(21750384_?)del

Gene: DNAH11 (dynein axonemal heavy chain 11; plus strand). Cytogenetic location: 7p15.3.
Variant type: Deletion.
Identifiers: ClinVar variation 584258 (VCV000584258.15).

ClinVar aggregate classification (germline): Pathogenic (1 of 4 stars; one submission).

Conditions:
Primary ciliary dyskinesia. Also called: Ciliary dyskinesia. Identifiers: Orphanet 244, MedGen C0008780, MONDO:0016575, HP:0012265.

Submission:

Labcorp Genetics (formerly Invitae), Labcorp
Classification: Pathogenic for Primary ciliary dyskinesia. Last evaluated: 2018-01-31. Review status: criteria provided, single submitter. Criteria: Invitae Variant Classification Sherloc (09022015). Collection method: clinical testing. Allele origin: germline.
Comment: A deletion of exons 46-48 has been observed in an individual affected with primary ciliary dyskinesia and determined to be likely pathogenic (Invitae database). This suggests that these amino acid residues are critical for DNAH11 protein function and that other in-frame deletions encompassing these exons may also be pathogenic. For these reasons, this variant has been classified as Pathogenic. Deletion of exons 46-54 has not been reported in the literature in individuals with DNAH11-related disease. This variant is an in-frame deletion of the genomic region encompassing exons 46-54 of the DNAH11 gene. It preserves the integrity of the reading frame.